The following is an entry in ClinVar:

ClinVar aggregate classification (germline): Pathogenic (1 of 4 stars; one submission).

Conditions:
Inborn genetic diseases. Identifiers: MedGen C0950123, MeSH D030342.

Submission:

Ambry Genetics
Classification: Pathogenic for Inborn genetic diseases. Last evaluated: 2024-07-09. Review status: criteria provided, single submitter. Criteria: Ambry Variant Classification Scheme 2023. Collection method: clinical testing. Allele origin: germline.
Comment: The c.1685_1686delTA (p.I562Rfs*8) alteration, located in exon 14 (coding exon 14) of the NAA15 gene, consists of a deletion of 2 nucleotides from position 1685 to 1686, causing a translational frameshift with a predicted alternate stop codon after 8 amino acids. This alteration is expected to result in loss of function by premature protein truncation or nonsense-mediated mRNA decay. This variant was not reported in population-based cohorts in the Genome Aggregation Database (gnomAD). Based on the available evidence, this alteration is classified as pathogenic.

NM_057175.5(NAA15):c.1685_1686del (p.Ile562fs)

Gene: NAA15 (N-alpha-acetyltransferase 15, NatA auxiliary subunit; plus strand). Cytogenetic location: 4q31.1.
Variant type: Microsatellite.
Coding change: c.1685_1686del on transcript NM_057175.5 (MANE Select); coding-DNA positions 1685 to 1686, 2 bases deleted (TA; older notation c.1685_1686delTA).
Protein change: p.Ile562fs; shifts the reading frame from isoleucine 562.
Molecular consequence: frameshift variant.
Genome position (GRCh38, 1-based): chr4:139,361,869-139,361,870, TA deleted; deleting any 2 consecutive bases within chr4:139,361,867-139,361,870 gives the same sequence; the c. name uses the placement nearest the transcript's 3' end. VCF-style (leftmost placement, unchanged base first): chr4-139361866-CTA-C. GRCh37 (hg19) VCF-style: chr4-140283020-CTA-C.
Other names: c.1685_1686del, p.Ile562fs (NM_001410842.1); short protein forms I562fs.
Identifiers: ClinVar variation 3402325 (VCV003402325.1).